The following is an entry in ClinVar:

NM_032119.4(ADGRV1):c.14650G>A (p.Ala4884Thr)

Gene: ADGRV1 (adhesion G protein-coupled receptor V1; plus strand). Cytogenetic location: 5q14.3.
Variant type: single nucleotide variant.
Coding change: c.14650G>A on transcript NM_032119.4 (MANE Select); coding-DNA position 14650, G replaced by A.
Protein change: p.Ala4884Thr; replaces alanine 4884 with threonine.
Molecular consequence: missense variant. On other transcripts: non-coding transcript variant (1).
Genome position (GRCh38, 1-based): chr5:90,802,871, G>A. VCF-style: chr5-90802871-G-A. GRCh37 (hg19) VCF-style: chr5-90098688-G-A.
Other names: short protein forms A4884T.
Identifiers: ClinVar variation 4982361 (VCV004982361.1).
Genomic context (GRCh38, chr5:90,802,871, plus strand): 5'-GGAATGCCAACAATTCTTCAGGAAGCAAAATCTGCTGTCCTTCCAGTCTCTGAGAAAGCT[G>A]CCAATTCTCAGGTAATTGGCCCTGTGTGTGGTTCTCTCAGCAGAACACTAGAGGGCAGCT-3'
Protein context (NP_115495.3, residues 4874-4894): SAVLPVSEKA[Ala4884Thr]NSQVGFESTA

ClinVar aggregate classification (germline): Uncertain significance (1 of 4 stars; one submission).

Conditions:
ADGRV1-related disorder. Also called: ADGRV1-related disorders; ADGRV1-related condition.

gnomAD v4.1: 2 of 1,605,078 alleles (0.00012%); highest among the groups gnomAD compares: Admixed American, 0.0017%; no homozygotes.

Submission:

PreventionGenetics, part of Exact Sciences
Classification: Uncertain significance for ADGRV1-related condition. Last evaluated: 2025-07-16. Review status: criteria provided, single submitter. Criteria: ACMG Guidelines, 2015. Collection method: clinical testing. Allele origin: germline.
Comment: The ADGRV1 c.14650G>A variant is predicted to result in the amino acid substitution p.Ala4884Thr. To our knowledge, this variant has not been reported in the literature or in a large population database (gnomAD), indicating this variant is rare. At this time, the clinical significance of this variant is uncertain due to the absence of conclusive functional and genetic evidence.